The following is an entry in ClinVar:

ClinVar aggregate classification (germline): Uncertain significance (1 of 4 stars; one submission).

Submission:

Labcorp Genetics (formerly Invitae), Labcorp
Classification: Uncertain significance. Last evaluated: 2025-01-20. Review status: criteria provided, single submitter. Criteria: Invitae Variant Classification Sherloc (09022015). Collection method: clinical testing. Allele origin: germline.
Comment: This sequence change replaces lysine, which is basic and polar, with glutamine, which is neutral and polar, at codon 56 of the NTHL1 protein (p.Lys56Gln). This variant is not present in population databases (gnomAD no frequency). This variant has not been reported in the literature in individuals affected with NTHL1-related conditions. An algorithm developed to predict the effect of missense changes on protein structure and function (PolyPhen-2) suggests that this variant is likely to be tolerated. In summary, the available evidence is currently insufficient to determine the role of this variant in disease. Therefore, it has been classified as a Variant of Uncertain Significance.

NM_002528.7(NTHL1):c.142A>C (p.Lys48Gln)

Gene: NTHL1 (nth like DNA glycosylase 1; minus strand). Cytogenetic location: 16p13.3.
Variant type: single nucleotide variant.
Coding change: c.142A>C on transcript NM_002528.7 (MANE Select); coding-DNA position 142, A replaced by C.
Protein change: p.Lys48Gln; replaces lysine 48 with glutamine.
Molecular consequence: missense variant. On other transcripts: 5 prime UTR variant (1).
Genome position (GRCh38, 1-based): chr16:2,046,340, T>G on the plus strand (A>C on the coding strand, the complement: NTHL1 is on the minus strand). VCF-style: chr16-2046340-T-G. GRCh37 (hg19) VCF-style: chr16-2096341-T-G.
Other names: c.142A>C, p.Lys48Gln (NM_001318193.2); c.-37A>C (NM_001318194.2); short protein forms K48Q.
Identifiers: ClinVar variation 3729178 (VCV003729178.2).